The following is an entry in ClinVar:

NM_007294.4(BRCA1):c.4950G>C (p.Met1650Ile)

Gene: BRCA1 (BRCA1 DNA repair associated; minus strand). Cytogenetic location: 17q21.31.
Variant type: single nucleotide variant.
Coding change: c.4950G>C on transcript NM_007294.4 (MANE Select); coding-DNA position 4950, G replaced by C.
Protein change: p.Met1650Ile; replaces methionine 1650 with isoleucine.
Molecular consequence: missense variant. On other transcripts: non-coding transcript variant (1).
Genome position (GRCh38, 1-based): chr17:43,070,964, C>G on the plus strand (G>C on the coding strand, the complement: BRCA1 is on the minus strand). VCF-style: chr17-43070964-C-G. GRCh37 (hg19) VCF-style: chr17-41222981-C-G.
Other names: c.1311G>C, p.Met437Ile (NM_001408507.1); c.1302G>C, p.Met434Ile (NM_001408508.1); c.1299G>C, p.Met433Ile (NM_001408509.1); c.1260G>C, p.Met420Ile (NM_001408510.1); c.1257G>C, p.Met419Ile (NM_001408511.1); c.1137G>C, p.Met379Ile (NM_001408512.1); c.1110G>C, p.Met370Ile (NM_001408513.1); c.4809G>C, p.Met1603Ile (NM_007297.4, NM_001407726.1, NM_001407727.1 and 13 more transcripts); and 70 more; short protein forms M546I, M1650I, M1603I, M1671I, M1522I, M1537I, M1560I, M1562I.
Identifiers: ClinVar variation 865452 (VCV000865452.3), dbSNP rs2052366574, ClinGen allele CA10591622.
Genomic context (GRCh38, chr17:43,070,964, plus strand): 5'-GGAGATACATATGGATACACTCACAAATTCTTCTGGGGTCAGGCCAGACACCACCATGGA[C>G]ATTCTTTTGTTGACCCTTTCTGTTGAAGCTGTCAATTCTGGCTTCTCCCTGCTCACACTT-3'
Protein context (NP_009225.1, residues 1640-1660): TASTERVNKR[Met1650Ile]SMVVSGLTPE

Conditions:
Breast-ovarian cancer, familial, susceptibility to, 1 (BROVCA1). Also called: BRCA1 Hereditary Breast and Ovarian Cancer; OVARIAN CANCER, SUSCEPTIBILITY TO. Identifiers: Orphanet 145, MedGen C2676676, MONDO:0011450, OMIM 604370. Disease mechanism: loss of function.

Submission:

Brotman Baty Institute, University of Washington
No classification provided (evidence only). Condition: Breast-ovarian cancer, familial 1. Review status: no classification provided. Collection method: in vitro. Allele origin: not applicable. Functional consequence: functionally_normal.
ClinVar note: "not provided" was previously submitted as the classification for the variant. However, the classification appeared to be based only on an observation of functional data so it was converted to no classification on 2025-07-30.